The following is an entry in ClinVar:

ClinVar aggregate classification (germline): Uncertain significance (1 of 4 stars; one submission).

Conditions:
Emery-Dreifuss muscular dystrophy 5, autosomal dominant (EDMD5). Also called: EMERY-DREIFUSS MUSCULAR DYSTROPHY 5. Identifiers: Orphanet 261, MedGen C2751805, MONDO:0013072, OMIM 612999.

gnomAD v4.1: 1 of 1,613,542 alleles (0.000062%); highest among the groups gnomAD compares: Non-Finnish European, 0.000085%; no homozygotes.

Submission:

Labcorp Genetics (formerly Invitae), Labcorp
Classification: Uncertain significance for Emery-Dreifuss muscular dystrophy 5, autosomal dominant. Last evaluated: 2025-04-29. Review status: criteria provided, single submitter. Criteria: Invitae Variant Classification Sherloc (09022015). Collection method: clinical testing. Allele origin: germline.
Comment: This sequence change creates a premature translational stop signal (p.Ser441*) in the SYNE2 gene. It is expected to result in an absent or disrupted protein product. However, the current clinical and genetic evidence is not sufficient to establish whether loss-of-function variants in SYNE2 cause disease. This variant is not present in population databases (gnomAD no frequency). This variant has not been reported in the literature in individuals affected with SYNE2-related conditions. Algorithms developed to predict the effect of sequence changes on RNA splicing suggest that this variant may disrupt the consensus splice site. In summary, the available evidence is currently insufficient to determine the role of this variant in disease. Therefore, it has been classified as a Variant of Uncertain Significance.

NM_182914.3(SYNE2):c.1322C>A (p.Ser441Ter)

Gene: SYNE2 (spectrin repeat containing nuclear envelope protein 2; plus strand). Cytogenetic location: 14q23.2.
Variant type: single nucleotide variant.
Coding change: c.1322C>A on transcript NM_182914.3 (MANE Select); coding-DNA position 1322, C replaced by A.
Protein change: p.Ser441Ter; replaces serine 441 with a stop codon.
Molecular consequence: nonsense.
Genome position (GRCh38, 1-based): chr14:63,977,933, C>A. VCF-style: chr14-63977933-C-A. GRCh37 (hg19) VCF-style: chr14-64444651-C-A.
Other names: c.1322C>A, p.Ser441Ter (NM_015180.6); short protein forms S441*.
Identifiers: ClinVar variation 4716340 (VCV004716340.1).